The following is an entry in ClinVar:

NM_006662.3(SRCAP):c.7409C>T (p.Ala2470Val)

Gene: SRCAP (Snf2 related CREBBP activator protein; plus strand). Cytogenetic location: 16p11.2.
Variant type: single nucleotide variant.
Coding change: c.7409C>T on transcript NM_006662.3 (MANE Select); coding-DNA position 7409, C replaced by T.
Protein change: p.Ala2470Val; replaces alanine 2470 with valine.
Molecular consequence: missense variant.
Genome position (GRCh38, 1-based): chr16:30,737,449, C>T. VCF-style: chr16-30737449-C-T. GRCh37 (hg19) VCF-style: chr16-30748770-C-T.
Other names: short protein forms A2470V.
Identifiers: ClinVar variation 2436476 (VCV002436476.8), dbSNP rs752848419, ClinGen allele CA8012479.

ClinVar aggregate classification (germline): Uncertain significance. Review status: criteria provided, multiple submitters, no conflicts (2 of 4 stars). 4 submissions from 4 submitters: Uncertain significance (4). Last evaluated 2025-09-02.

Conditions:
Developmental delay, hypotonia, musculoskeletal defects, and behavioral abnormalities. Identifiers: MedGen C5562012, MONDO:0859202, OMIM 619595.
Floating-Harbor syndrome (FLHS). Also called: SRCAP-Related Floating-Harbor Syndrome; Short stature with delayed bone age, expressive language delay, a triangular face with a prominent nose and deep-set eyes; Pelletier-Leisti syndrome. Identifiers: Orphanet 2044, MedGen C0729582, MONDO:0007621, OMIM 136140.

Allele frequency attached by ClinVar (database versions not stated): gnomAD exomes 0.00001; gnomAD 0.00003; TOPMed 0.00003; ExAC 0.00005.
gnomAD v4.1: 22 of 1,592,156 alleles (0.0014%); highest among the groups gnomAD compares: South Asian, 0.015%; no homozygotes.

Submissions (4):

Labcorp Genetics (formerly Invitae), Labcorp
Classification: Uncertain significance. Last evaluated: 2025-09-02. Review status: criteria provided, single submitter. Criteria: Invitae Variant Classification Sherloc (09022015). Collection method: clinical testing. Allele origin: germline.
Comment: This sequence change replaces alanine, which is neutral and non-polar, with valine, which is neutral and non-polar, at codon 2470 of the SRCAP protein (p.Ala2470Val). This variant is present in population databases (rs752848419, gnomAD 0.01%). This variant has not been reported in the literature in individuals affected with SRCAP-related conditions. ClinVar contains an entry for this variant (Variation ID: 2436476). Invitae Evidence Modeling of protein sequence and biophysical properties (such as structural, functional, and spatial information, amino acid conservation, physicochemical variation, residue mobility, and thermodynamic stability) indicates that this missense variant is not expected to disrupt SRCAP protein function with a negative predictive value of 80%. In summary, the available evidence is currently insufficient to determine the role of this variant in disease. Therefore, it has been classified as a Variant of Uncertain Significance.

Fulgent Genetics
Classification: Uncertain significance for Floating-Harbor syndrome; Developmental delay, hypotonia, musculoskeletal defects, and behavioral abnormalities. Last evaluated: 2024-03-08. Review status: criteria provided, single submitter. Criteria: ACMG Guidelines, 2015. Collection method: clinical testing. Allele origin: germline.

Women's Health and Genetics/Laboratory Corporation of America, LabCorp
Classification: Uncertain significance. Last evaluated: 2023-11-17. Review status: criteria provided, single submitter. Criteria: LabCorp Variant Classification Summary - May 2015. Collection method: clinical testing. Allele origin: germline.
Comment: Variant summary: SRCAP c.7409C>T (p.Ala2470Val) results in a non-conservative amino acid change in the encoded protein sequence. Four of five in-silico tools predict a benign effect of the variant on protein function. The variant allele was found at a frequency of 3.2e-05 in 216418 control chromosomes. The available data on variant occurrences in the general population are insufficient to allow any conclusion about variant significance. To our knowledge, no occurrence of c.7409C>T in individuals affected with Floating-Harbor Syndrome and no experimental evidence demonstrating its impact on protein function have been reported. One submitter has cited clinical-significance assessments for this variant to ClinVar after 2014 and has classified the variant as uncertain significance. Based on the evidence outlined above, the variant was classified as uncertain significance.

Revvity Omics, Revvity
Classification: Uncertain significance. Last evaluated: 2019-01-11. Review status: criteria provided, single submitter. Criteria: ACMG Guidelines, 2015. Collection method: clinical testing. Allele origin: germline.